The following is an entry in ClinVar:

ClinVar aggregate classification (germline): Likely benign (1 of 4 stars; one submission).

Allele frequency attached by ClinVar (database versions not stated): 1000 Genomes Project 0.00060; 1000 Genomes Project 30x 0.00109; gnomAD 0.00275; ExAC 0.00304; gnomAD exomes 0.00319; ESP Exome Variant Server 0.00427.
gnomAD v4.1: 3,909 of 1,258,662 alleles (0.31%); highest among the groups gnomAD compares: Non-Finnish European, 0.37%; 1,065 homozygotes.

Submission:

CeGaT Center for Human Genetics Tuebingen
Classification: Likely benign. Last evaluated: 2025-10-01. Review status: criteria provided, single submitter. Criteria: CeGaT Center For Human Genetics Tuebingen Variant Classification Criteria Version 2. Collection method: clinical testing. Allele origin: germline. Affected: yes. Observed: 5 variant alleles.
Comment: WASHC1: BS2

NM_001378090.1(WASHC1):c.724C>T (p.Pro242Ser)

Gene: WASHC1 (WASH complex subunit 1; minus strand). Cytogenetic location: 9p24.3.
Variant type: single nucleotide variant.
Coding change: c.724C>T on transcript NM_001378090.1 (MANE Select); coding-DNA position 724, C replaced by T.
Protein change: p.Pro242Ser; replaces proline 242 with serine.
Molecular consequence: missense variant.
Genome position (GRCh38, 1-based): chr9:17,124, G>A on the plus strand (C>T on the coding strand, the complement: WASHC1 is on the minus strand). VCF-style: chr9-17124-G-A. GRCh37 (hg19) VCF-style: chr9-17124-G-A.
Other names: c.724C>T, p.Pro242Ser (NM_182905.6); short protein forms P242S.
Identifiers: ClinVar variation 2659009 (VCV002659009.24), dbSNP rs201239322, ClinGen allele CA4955605.
Genomic context (GRCh38, chr9:17,124, plus strand): 5'-ACATGAGGTCGTTGGCAATGCCGGGCAGGTCAGGCAGGTAGGATGGAACATGGATCTCAG[G>A]CACCTGGCCCAGGTCTGGCACATAGAAGTAGTTCTCTGGGACCTGCAAGATTAGGCAGGG-3'
Protein context (NP_001365019.1, residues 232-252): YFYVPDLGQV[Pro242Ser]EIHVPSYLPD